The following is an entry in ClinVar:

ClinVar aggregate classification (germline): Uncertain significance (1 of 4 stars; one submission).

Allele frequency attached by ClinVar (database versions not stated): gnomAD exomes below 0.00001; ExAC 0.00001.
gnomAD v4.1: 1 of 1,614,080 alleles (0.000062%); highest among the groups gnomAD compares: Non-Finnish European, 0.000085%; no homozygotes.

Submission:

Labcorp Genetics (formerly Invitae), Labcorp
Classification: Uncertain significance. Last evaluated: 2025-10-02. Review status: criteria provided, single submitter. Criteria: Invitae Variant Classification Sherloc (09022015). Collection method: clinical testing. Allele origin: germline.
Comment: This sequence change replaces aspartic acid, which is acidic and polar, with glycine, which is neutral and non-polar, at codon 607 of the LRP5 protein (p.Asp607Gly). This variant is present in population databases (rs753317134, gnomAD 0.0009%). This variant has not been reported in the literature in individuals affected with LRP5-related conditions. ClinVar contains an entry for this variant (Variation ID: 1922896). Invitae Evidence Modeling of protein sequence and biophysical properties (such as structural, functional, and spatial information, amino acid conservation, physicochemical variation, residue mobility, and thermodynamic stability) indicates that this missense variant is not expected to disrupt LRP5 protein function with a negative predictive value of 95%. In summary, the available evidence is currently insufficient to determine the role of this variant in disease. Therefore, it has been classified as a Variant of Uncertain Significance.

NM_002335.4(LRP5):c.1820A>G (p.Asp607Gly)

Gene: LRP5 (LDL receptor related protein 5; plus strand). Cytogenetic location: 11q13.2.
Variant type: single nucleotide variant.
Coding change: c.1820A>G on transcript NM_002335.4 (MANE Select); coding-DNA position 1820, A replaced by G.
Protein change: p.Asp607Gly; replaces aspartic acid 607 with glycine.
Molecular consequence: missense variant.
Genome position (GRCh38, 1-based): chr11:68,406,542, A>G. VCF-style: chr11-68406542-A-G. GRCh37 (hg19) VCF-style: chr11-68174010-A-G.
Other names: c.77A>G, p.Asp26Gly (NM_001291902.2); short protein forms D607G, D26G.
Identifiers: ClinVar variation 1922896 (VCV001922896.5), dbSNP rs753317134, ClinGen allele CA6149466.